The following is an entry in ClinVar:

NM_000127.3(EXT1):c.1122G>A (p.Trp374Ter)

Gene: EXT1 (exostosin glycosyltransferase 1; minus strand). Cytogenetic location: 8q24.11.
Variant type: single nucleotide variant.
Coding change: c.1122G>A on transcript NM_000127.3 (MANE Select); coding-DNA position 1122, G replaced by A.
Protein change: p.Trp374Ter; replaces tryptophan 374 with a stop codon.
Molecular consequence: nonsense.
Genome position (GRCh38, 1-based): chr8:117,835,486, C>T on the plus strand (G>A on the coding strand, the complement: EXT1 is on the minus strand). VCF-style: chr8-117835486-C-T. GRCh37 (hg19) VCF-style: chr8-118847725-C-T.
Other names: short protein forms W374*.
Identifiers: ClinVar variation 1458864 (VCV001458864.8), dbSNP rs2129786370, ClinGen allele CA371892197.
Genomic context (GRCh38, chr8:117,835,486, plus strand): 5'-CCACAGCCCCTTCCTTACCTGTAATAACAATCTCTCATCGCCTATGACGGCAGCTTGGTT[C>T]CAATTAATCACTTCAGAGAATGGCAACTCCCATCCATTGCTGAGCATCACAGGGACGCAG-3'

ClinVar aggregate classification (germline): Pathogenic (1 of 4 stars; one submission).

Conditions:
Multiple congenital exostosis (EXT). Also called: Multiple osteochondromas; MULTIPLE CARTILAGINOUS EXOSTOSES; Hereditary multiple exostoses; Hereditary multiple exostosis; Hereditary multiple osteochondromas; Multiple exostoses. Identifiers: Orphanet 321, MedGen C0015306, MONDO:0005508, HP:0002762.

Submission:

Labcorp Genetics (formerly Invitae), Labcorp
Classification: Pathogenic for Multiple congenital exostosis. Last evaluated: 2023-07-07. Review status: criteria provided, single submitter. Criteria: Invitae Variant Classification Sherloc (09022015). Collection method: clinical testing. Allele origin: germline.
Comment: For these reasons, this variant has been classified as Pathogenic. ClinVar contains an entry for this variant (Variation ID: 1458864). This premature translational stop signal has been observed in individual(s) with hereditary multiple osteochondromas (PMID: 9326317). This variant is not present in population databases (gnomAD no frequency). This sequence change creates a premature translational stop signal (p.Trp374*) in the EXT1 gene. It is expected to result in an absent or disrupted protein product. Loss-of-function variants in EXT1 are known to be pathogenic (PMID: 10679937, 11391482, 19810120).

Literature cited by the submitters: PubMed 9326317; PubMed 10679937; PubMed 11391482; PubMed 19810120.